The following is an entry in ClinVar:

NM_014159.7(SETD2):c.3808A>G (p.Thr1270Ala)

Gene: SETD2 (SET domain containing 2, histone lysine methyltransferase; minus strand). Cytogenetic location: 3p21.31.
Variant type: single nucleotide variant.
Coding change: c.3808A>G on transcript NM_014159.7 (MANE Select); coding-DNA position 3808, A replaced by G.
Protein change: p.Thr1270Ala; replaces threonine 1270 with alanine.
Molecular consequence: missense variant. On other transcripts: non-coding transcript variant (1).
Genome position (GRCh38, 1-based): chr3:47,120,828, T>C on the plus strand (A>G on the coding strand, the complement: SETD2 is on the minus strand). VCF-style: chr3-47120828-T-C. GRCh37 (hg19) VCF-style: chr3-47162318-T-C.
Other names: c.3676A>G, p.Thr1226Ala (NM_001349370.3); short protein forms T1226A, T1270A.
Identifiers: ClinVar variation 1382623 (VCV001382623.8), dbSNP rs776438900, ClinGen allele CA2363322.

ClinVar aggregate classification (germline): Uncertain significance (1 of 4 stars; one submission).

Conditions:
Luscan-Lumish syndrome. Identifiers: Orphanet 597738, MedGen C4085873, MONDO:0014791, OMIM 616831.

Allele frequency attached by ClinVar (database versions not stated): gnomAD 0.00002; gnomAD exomes 0.00004 and 0.00007; ExAC 0.00006.
gnomAD v4.1: 61 of 1,614,118 alleles (0.0038%); highest among the groups gnomAD compares: South Asian, 0.064%; 1 homozygote.

Submission:

Labcorp Genetics (formerly Invitae), Labcorp
Classification: Uncertain significance for Luscan-Lumish syndrome. Last evaluated: 2020-11-14. Review status: criteria provided, single submitter. Criteria: Invitae Variant Classification Sherloc (09022015). Collection method: clinical testing. Allele origin: germline.
Comment: This variant has not been reported in the literature in individuals with SETD2-related conditions. In summary, the available evidence is currently insufficient to determine the role of this variant in disease. Therefore, it has been classified as a Variant of Uncertain Significance. Algorithms developed to predict the effect of missense changes on protein structure and function are either unavailable or do not agree on the potential impact of this missense change (SIFT: "Tolerated"; PolyPhen-2: "Probably Damaging"; Align-GVGD: "Class C0"). This variant is present in population databases (rs776438900, ExAC 0.04%). This sequence change replaces threonine with alanine at codon 1270 of the SETD2 protein (p.Thr1270Ala). The threonine residue is highly conserved and there is a small physicochemical difference between threonine and alanine.